The following is an entry in ClinVar:

ClinVar aggregate classification (germline): Uncertain significance. Review status: criteria provided, multiple submitters, no conflicts (2 of 4 stars). 2 submissions from 2 submitters: Uncertain significance (2). Last evaluated 2025-05-07.

Conditions:
Inborn genetic diseases. Identifiers: MedGen C0950123, MeSH D030342.
Mosaic variegated aneuploidy syndrome 1 (MVA1). Also called: Warburton-Anyane-Yeboa syndrome. Identifiers: Orphanet 1052, MedGen C1850343, MONDO:0009759, OMIM 257300.

Submissions (2):

Labcorp Genetics (formerly Invitae), Labcorp
Classification: Uncertain significance for Mosaic variegated aneuploidy syndrome 1. Last evaluated: 2025-05-07. Review status: criteria provided, single submitter. Criteria: Invitae Variant Classification Sherloc (09022015). Collection method: clinical testing. Allele origin: germline.
Comment: This sequence change replaces proline, which is neutral and non-polar, with arginine, which is basic and polar, at codon 90 of the BUB1B protein (p.Pro90Arg). This variant is not present in population databases (gnomAD no frequency). This variant has not been reported in the literature in individuals affected with BUB1B-related conditions. ClinVar contains an entry for this variant (Variation ID: 1794879). An algorithm developed to predict the effect of missense changes on protein structure and function (PolyPhen-2) suggests that this variant is likely to be disruptive. In summary, the available evidence is currently insufficient to determine the role of this variant in disease. Therefore, it has been classified as a Variant of Uncertain Significance.

Ambry Genetics
Classification: Uncertain significance for Inborn genetic diseases. Last evaluated: 2024-01-17. Review status: criteria provided, single submitter. Criteria: Ambry Variant Classification Scheme 2023. Collection method: clinical testing. Allele origin: germline.
Comment: The p.P90R variant (also known as c.269C>G), located in coding exon 4 of the BUB1B gene, results from a C to G substitution at nucleotide position 269. The proline at codon 90 is replaced by arginine, an amino acid with dissimilar properties. This amino acid position is conserved. In addition, this alteration is predicted to be deleterious by in silico analysis. Since supporting evidence is limited at this time, the clinical significance of this alteration remains unclear.

NM_001211.6(BUB1B):c.269C>G (p.Pro90Arg)

Gene: BUB1B (BUB1 mitotic checkpoint serine/threonine kinase B; plus strand). Cytogenetic location: 15q15.1.
Variant type: single nucleotide variant.
Coding change: c.269C>G on transcript NM_001211.6 (MANE Select); coding-DNA position 269, C replaced by G.
Protein change: p.Pro90Arg; replaces proline 90 with arginine.
Molecular consequence: missense variant.
Genome position (GRCh38, 1-based): chr15:40,170,566, C>G. VCF-style: chr15-40170566-C-G. GRCh37 (hg19) VCF-style: chr15-40462767-C-G.
Other names: short protein forms P90R.
Identifiers: ClinVar variation 1794879 (VCV001794879.3), dbSNP rs2542516707, ClinGen allele CA391678979.